The following is an entry in ClinVar:

NM_006389.5(HYOU1):c.1111G>A (p.Glu371Lys)

Gene: HYOU1 (hypoxia up-regulated 1; minus strand). Cytogenetic location: 11q23.3.
Variant type: single nucleotide variant.
Coding change: c.1111G>A on transcript NM_006389.5 (MANE Select); coding-DNA position 1111, G replaced by A.
Protein change: p.Glu371Lys; replaces glutamic acid 371 with lysine.
Molecular consequence: missense variant.
Genome position (GRCh38, 1-based): chr11:119,052,306, C>T on the plus strand (G>A on the coding strand, the complement: HYOU1 is on the minus strand). VCF-style: chr11-119052306-C-T. GRCh37 (hg19) VCF-style: chr11-118923018-C-T.
Other names: c.1111G>A, p.Glu371Lys (NM_001130991.3); c.1111G>A (NM_006389.3); short protein forms E371K.
Identifiers: ClinVar variation 1432458 (VCV001432458.9), dbSNP rs201660855, ClinGen allele CA229623062.

ClinVar aggregate classification (germline): Uncertain significance. Review status: criteria provided, multiple submitters, no conflicts (2 of 4 stars). 2 submissions from 2 submitters: Uncertain significance (2). Last evaluated 2025-09-25.

Allele frequency attached by ClinVar (database versions not stated): 1000 Genomes Project 30x 0.00031.
gnomAD v4.1: 31 of 1,614,226 alleles (0.0019%); highest among the groups gnomAD compares: African/African-American, 0.024%; no homozygotes.

Submissions (2):

Labcorp Genetics (formerly Invitae), Labcorp
Classification: Uncertain significance. Last evaluated: 2025-09-25. Review status: criteria provided, single submitter. Criteria: Invitae Variant Classification Sherloc (09022015). Collection method: clinical testing. Allele origin: germline.
Comment: This sequence change replaces glutamic acid, which is acidic and polar, with lysine, which is basic and polar, at codon 371 of the HYOU1 protein (p.Glu371Lys). This variant is present in population databases (rs201660855, gnomAD 0.02%). This variant has not been reported in the literature in individuals affected with HYOU1-related conditions. ClinVar contains an entry for this variant (Variation ID: 1432458). An algorithm developed to predict the effect of missense changes on protein structure and function outputs the following: PolyPhen-2: "Benign". The lysine amino acid residue is found in multiple mammalian species, which suggests that this missense change does not adversely affect protein function. In summary, the available evidence is currently insufficient to determine the role of this variant in disease. Therefore, it has been classified as a Variant of Uncertain Significance.

Ambry Genetics
Classification: Uncertain significance. Last evaluated: 2025-08-02. Review status: criteria provided, single submitter. Criteria: Ambry Variant Classification Scheme 2023. Collection method: clinical testing. Allele origin: germline.